The following is an entry in ClinVar:

ClinVar aggregate classification (germline): Uncertain significance. Review status: criteria provided, multiple submitters, no conflicts (2 of 4 stars). 2 submissions from 2 submitters: Uncertain significance (2). Last evaluated 2024-02-06.

Conditions:
Hypokalemic periodic paralysis, type 1. Also called: Hypokalemic Periodic Paralysis Type 1 (AD); HypoPP. Identifiers: Orphanet 681, MedGen C3714580, MONDO:0042979, OMIM 170400.
Malignant hyperthermia, susceptibility to, 5 (MHS5). Also called: CACNA1S-Related Malignant Hyperthermia Susceptibility. Identifiers: Orphanet 423, MedGen C1866077, MONDO:0011163, OMIM 601887.
Thyrotoxic periodic paralysis, susceptibility to, 1 (TTPP1). Identifiers: Orphanet 79102, MedGen C2749982, MONDO:0008570, OMIM 188580.
Congenital myopathy 18. Also called: Myopathy, congenital, due to dihydropyridine receptor defect; DHPR CONGENITAL MYOPATHY; DIHYDROPYRIDINE RECEPTOR CONGENITAL MYOPATHY. Identifiers: MedGen C5830283, MONDO:0859514, OMIM 620246.

Submissions (2):

Fulgent Genetics
Classification: Uncertain significance for Hypokalemic periodic paralysis, type 1; Thyrotoxic periodic paralysis, susceptibility to, 1; Malignant hyperthermia, susceptibility to, 5; Congenital myopathy 18. Last evaluated: 2024-02-06. Review status: criteria provided, single submitter. Criteria: ACMG Guidelines, 2015. Collection method: clinical testing. Allele origin: germline.

Labcorp Genetics (formerly Invitae), Labcorp
Classification: Uncertain significance for Hypokalemic periodic paralysis, type 1; Malignant hyperthermia, susceptibility to, 5. Last evaluated: 2022-08-23. Review status: criteria provided, single submitter. Criteria: Invitae Variant Classification Sherloc (09022015). Collection method: clinical testing. Allele origin: germline.
Comment: This variant, c.858_860dup, results in the insertion of 1 amino acid(s) of the CACNA1S protein (p.Tyr286_Gln287insHis), but otherwise preserves the integrity of the reading frame. This variant is not present in population databases (gnomAD no frequency). This variant has not been reported in the literature in individuals affected with CACNA1S-related conditions. Experimental studies and prediction algorithms are not available or were not evaluated, and the functional significance of this variant is currently unknown. In summary, the available evidence is currently insufficient to determine the role of this variant in disease. Therefore, it has been classified as a Variant of Uncertain Significance. ClinVar contains an entry for this variant (Variation ID: 1446030).

NM_000069.3(CACNA1S):c.858_860dup (p.Tyr286_Gln287insHis)

Gene: CACNA1S (calcium voltage-gated channel subunit alpha1 S; minus strand). Cytogenetic location: 1q32.1.
Variant type: Duplication.
Coding change: c.858_860dup on transcript NM_000069.3 (MANE Select); coding-DNA positions 858 to 860, 3 bases duplicated (CCA; older notation c.858_860dupCCA).
Protein change: p.Tyr286_Gln287insHis.
Molecular consequence: inframe insertion.
Genome position (GRCh38, 1-based): chr1:201,089,298-201,089,300, TGG duplicated on the plus strand (CCA on the coding strand, the reverse complement: CACNA1S is on the minus strand); duplicating any 3 consecutive bases within chr1:201,089,298-201,089,301 gives the same sequence; the c. name uses the placement nearest the transcript's 3' end. VCF-style (leftmost placement, unchanged base first): chr1-201089297-C-CTGG. GRCh37 (hg19) VCF-style: chr1-201058425-C-CTGG.
Identifiers: ClinVar variation 1446030 (VCV001446030.7), dbSNP rs2102160234, ClinGen allele CA2573130620.
Genomic context (GRCh38, chr1:201,089,297, plus strand): 5'-CAGGCGCGGGCCCAGACCCACCCAGTAAAGGACGTCAGTCCATCCCTCCATGGTAATGCA[C>CTGG]TGGTACACGGTGAGCATGGAGAAGCCGAAGTTGTCGAAGTGGGTGATGCCATGGTTGGGC-3'